The following is an entry in ClinVar:

ClinVar aggregate classification (germline): Conflicting classifications of pathogenicity. Review status: criteria provided, conflicting classifications (1 of 4 stars). 3 submissions from 3 submitters: Uncertain significance (2); Likely benign (1). Last evaluated 2026-06-29.

Conditions:
Familial intrahepatic cholestasis. Identifiers: Orphanet 284385, MedGen CN296401, MONDO:0017290.
ATP8B1-related disorder. Also called: ATP8B1-related disorders; ATP8B1-related condition.

gnomAD v4.1: 139 of 1,614,056 alleles (0.0086%); highest among the groups gnomAD compares: South Asian, 0.1%; 2 homozygotes.

Submissions (3):

PreventionGenetics, part of Exact Sciences
Classification: Uncertain significance for ATP8B1-related condition. Last evaluated: 2026-06-29. Review status: criteria provided, single submitter. Criteria: ACMG Guidelines, 2015. Collection method: clinical testing. Allele origin: germline.
Comment: The ATP8B1 c.3220G>A variant is predicted to result in the amino acid substitution p.Val1074Ile. This variant was reported in an individual with biliary atresia (Laochareonsuk et al. 2022. PubMed ID: 36350824). This variant is reported in 0.11% of alleles in individuals of South Asian descent in gnomAD. At this time, the clinical significance of this variant is uncertain due to the absence of conclusive functional and genetic evidence.

Genomenon, Inc
Classification: Likely benign for Familial intrahepatic cholestasis. Last evaluated: 2026-04-14. Review status: criteria provided, single submitter. Criteria: Genomenon Sequence Variant Interpretation Standards - Updated. Collection method: curation. Allele origin: germline. Affected: no.
Comment: ATP8B1 p.Val1074Ile (c.3220G>A) is a missense variant that changes the amino acid at residue 1074 from Valine to Isoleucine. This variant has been reported in the published literature (PMID:36350824). This variant’s allele frequency in gnomAD is greater than expected for this disorder. In conclusion, we classify ATP8B1 p.Val1074Ile (c.3220G>A) as a likely benign variant.

GeneDx
Classification: Uncertain significance. Last evaluated: 2024-03-19. Review status: criteria provided, single submitter. Criteria: GeneDx Variant Classification Process June 2021. Collection method: clinical testing. Allele origin: germline. Affected: yes.
Comment: Reported in the heterozygous state in a patient with biliary atresia (PMID: 36350824); In silico analysis supports that this missense variant does not alter protein structure/function; This variant is associated with the following publications: (PMID: 36350824)

Literature cited by the submitters: PubMed 36350824 (cited by Genomenon, Inc).

NM_001374385.1(ATP8B1):c.3220G>A (p.Val1074Ile)

Genes: ATP8B1 (ATPase phospholipid transporting 8B1; minus strand), ATP8B1-AS1 (ATP8B1 antisense RNA 1; plus strand). Cytogenetic location: 18q21.31.
Variant type: single nucleotide variant.
Coding change: c.3220G>A on transcript NM_001374385.1 (MANE Select); coding-DNA position 3220, G replaced by A.
Protein change: p.Val1074Ile; replaces valine 1074 with isoleucine.
Molecular consequence: missense variant.
Genome position (GRCh38, 1-based): chr18:57,652,525, C>T on the plus strand (G>A on the coding strand, the complement: ATP8B1 is on the minus strand). VCF-style: chr18-57652525-C-T. GRCh37 (hg19) VCF-style: chr18-55319757-C-T.
Other names: c.3070G>A, p.Val1024Ile (NM_001374386.1); c.3220G>A, p.Val1074Ile (NM_005603.6); short protein forms V1024I, V1074I.
Identifiers: ClinVar variation 3371045 (VCV003371045.3).